The following is an entry in ClinVar:

NM_006593.4(TBR1):c.340C>A (p.Gln114Lys)

Gene: TBR1 (T-box brain transcription factor 1; plus strand). Cytogenetic location: 2q24.2.
Variant type: single nucleotide variant.
Coding change: c.340C>A on transcript NM_006593.4 (MANE Select); coding-DNA position 340, C replaced by A.
Protein change: p.Gln114Lys; replaces glutamine 114 with lysine.
Molecular consequence: missense variant.
Genome position (GRCh38, 1-based): chr2:161,416,750, C>A. VCF-style: chr2-161416750-C-A. GRCh37 (hg19) VCF-style: chr2-162273261-C-A.
Other names: short protein forms Q114K.
Identifiers: ClinVar variation 3365548 (VCV003365548.1).
Genomic context (GRCh38, chr2:161,416,750, plus strand): 5'-CGTCACAGTTTCGATGGCTCTGCTGCAGATCGCTACCTCCTCTCTCAGTCCAGCCAGCCA[C>A]AGTCTGCGGCCACTGCTCCCAGTGCCATGTTCCCGTACCCCGGCCAGCACGGACCGGCGC-3'
Protein context (NP_006584.1, residues 104-124): RYLLSQSSQP[Gln114Lys]SAATAPSAMF

ClinVar aggregate classification (germline): Uncertain significance (1 of 4 stars; one submission).

Submission:

GeneDx
Classification: Uncertain significance. Last evaluated: 2023-12-14. Review status: criteria provided, single submitter. Criteria: GeneDx Variant Classification Process June 2021. Collection method: clinical testing. Allele origin: germline. Affected: yes.
Comment: Not observed at significant frequency in large population cohorts (gnomAD); In silico analysis supports that this missense variant does not alter protein structure/function; Has not been previously published as pathogenic or benign to our knowledge